The following is an entry in ClinVar:

NM_006642.5(SDCCAG8):c.1193C>T (p.Thr398Met)

Gene: SDCCAG8 (SHH signaling and ciliogenesis regulator SDCCAG8; plus strand). Cytogenetic location: 1q43.
Variant type: single nucleotide variant.
Coding change: c.1193C>T on transcript NM_006642.5 (MANE Select); coding-DNA position 1193, C replaced by T.
Protein change: p.Thr398Met; replaces threonine 398 with methionine.
Molecular consequence: missense variant.
Genome position (GRCh38, 1-based): chr1:243,330,664, C>T. VCF-style: chr1-243330664-C-T. GRCh37 (hg19) VCF-style: chr1-243493966-C-T.
Other names: c.290C>T, p.Thr97Met (NM_001350246.2, NM_001350247.2, NM_001350251.2); c.1289C>T, p.Thr430Met (NM_001350248.2); c.899C>T, p.Thr300Met (NM_001350249.2); short protein forms T430M, T97M, T300M, T398M.
Identifiers: ClinVar variation 1979246 (VCV001979246.2), dbSNP rs79435766, ClinGen allele CA1483580.

ClinVar aggregate classification (germline): Conflicting classifications of pathogenicity. Review status: criteria provided, conflicting classifications (1 of 4 stars). 2 submissions from 2 submitters: Uncertain significance (1); Likely benign (1). Last evaluated 2022-10-11.

Conditions:
Senior-Loken syndrome 7 (SLSN7). Identifiers: Orphanet 3156, MedGen C3150877, MONDO:0013326, OMIM 613615.
Bardet-Biedl syndrome 16 (BBS16). Identifiers: Orphanet 110, MedGen C3889474, MONDO:0014444, OMIM 615993.

Allele frequency attached by ClinVar (database versions not stated): TOPMed 0.00007; gnomAD 0.00008; ExAC 0.00012; 1000 Genomes Project 0.00040; 1000 Genomes Project 30x 0.00047.
gnomAD v4.1: 143 of 1,613,922 alleles (0.0089%); highest among the groups gnomAD compares: East Asian, 0.24%; no homozygotes.

Submissions (2):

Blueprint Genetics
Classification: Likely benign. Last evaluated: 2022-10-11. Review status: criteria provided, single submitter. Criteria: ACMG Guidelines, 2015. Collection method: clinical testing. Allele origin: germline.

Labcorp Genetics (formerly Invitae), Labcorp
Classification: Uncertain significance for Bardet-Biedl syndrome 16; Senior-Loken syndrome 7. Last evaluated: 2022-07-24. Review status: criteria provided, single submitter. Criteria: Invitae Variant Classification Sherloc (09022015). Collection method: clinical testing. Allele origin: germline.
Comment: This sequence change replaces threonine, which is neutral and polar, with methionine, which is neutral and non-polar, at codon 398 of the SDCCAG8 protein (p.Thr398Met). This variant is present in population databases (rs79435766, gnomAD 0.2%). This variant has not been reported in the literature in individuals affected with SDCCAG8-related conditions. Algorithms developed to predict the effect of missense changes on protein structure and function (SIFT, PolyPhen-2, Align-GVGD) all suggest that this variant is likely to be tolerated. In summary, the available evidence is currently insufficient to determine the role of this variant in disease. Therefore, it has been classified as a Variant of Uncertain Significance.